The following is an entry in ClinVar:

ClinVar aggregate classification (germline): Likely pathogenic (1 of 4 stars; one submission).

Conditions:
PAK3-related disorder. Also called: PAK3-related condition.

Submission:

PreventionGenetics, part of Exact Sciences
Classification: Likely pathogenic for PAK3-related condition. Last evaluated: 2025-10-06. Review status: criteria provided, single submitter. Criteria: ACMG Guidelines, 2015. Collection method: clinical testing. Allele origin: germline.
Comment: The PAK3 c.1362_1365delAATG variant is predicted to result in a frameshift and premature protein termination (p.Met455Trpfs*18). To our knowledge, this variant has not been reported in the literature or in a large population database (gnomAD), indicating this variant is rare. Frameshift variants in PAK3 are expected to be pathogenic. This variant is interpreted as likely pathogenic.

NM_002578.5(PAK3):c.1362_1365del (p.Met455fs)

Gene: PAK3 (p21 (RAC1) activated kinase 3; plus strand). Cytogenetic location: Xq23.
Variant type: Deletion.
Coding change: c.1362_1365del on transcript NM_002578.5 (MANE Select); coding-DNA positions 1362 to 1365, 4 bases deleted (AATG; older notation c.1362_1365delAATG).
Protein change: p.Met455fs; shifts the reading frame from methionine 455.
Molecular consequence: frameshift variant. On other transcripts: non-coding transcript variant (2).
Genome position (GRCh38, 1-based): chrX:111,196,595-111,196,598, AATG deleted. VCF-style (leftmost placement, unchanged base first): chrX-111196594-AAATG-A. GRCh37 (hg19) VCF-style: chrX-110439822-AAATG-A.
Other names: c.1362_1365del, p.Met455fs (NM_001128166.3, NM_001128167.3, NM_001324325.2 and 5 more transcripts); c.1470_1473del, p.Met491fs (NM_001128168.3); c.1425_1428del, p.Met476fs (NM_001128172.2); c.1407_1410del, p.Met470fs (NM_001128173.3, NM_001324327.2, NM_001324328.2 and 2 more transcripts); short protein forms M455fs, M491fs, M470fs, M476fs.
Identifiers: ClinVar variation 4996025 (VCV004996025.1).